The following is an entry in ClinVar:

ClinVar aggregate classification (germline): Conflicting classifications of pathogenicity. Review status: criteria provided, conflicting classifications (1 of 4 stars). 6 submissions from 6 submitters: Uncertain significance (4); Likely benign (1). 1 of the submissions does not count toward it. Last evaluated 2025-03-26.

Conditions:
Hereditary cancer-predisposing syndrome. Also called: Tumor predisposition; Hereditary Cancer Syndrome; Hereditary neoplastic syndrome; Neoplastic Syndromes, Hereditary. Identifiers: Orphanet 140162, MedGen C0027672, MeSH D009386, MONDO:0015356.
Hereditary breast ovarian cancer syndrome. Also called: Hereditary breast and ovarian cancer; Breast and ovarian cancer; BRCA1- and BRCA2-Associated Hereditary Breast and Ovarian Cancer; Hereditary breast and ovarian cancer syndrome; Hereditary breast and ovarian cancer syndrome (HBOC); Hereditary breast and/or ovarian cancer syndrome. Identifiers: Orphanet 145, MedGen C0677776, MeSH D061325, MONDO:0003582. Disease mechanism: loss of function.
Breast-ovarian cancer, familial, susceptibility to, 2 (BROVCA2). Also called: BRCA2 Hereditary Breast and Ovarian Cancer. Identifiers: Orphanet 145, MedGen C2675520, MONDO:0012933, OMIM 612555. Disease mechanism: loss of function.

Allele frequency attached by ClinVar (database versions not stated): gnomAD exomes below 0.00001.
gnomAD v4.1: 1 of 1,596,796 alleles (0.000063%); highest among the groups gnomAD compares: Non-Finnish European, 0.000085%; no homozygotes.

Submissions (6):

Ambry Genetics
Classification: Uncertain significance for Hereditary cancer-predisposing syndrome. Last evaluated: 2025-03-26. Review status: criteria provided, single submitter. Criteria: Ambry Variant Classification Scheme 2023. Collection method: clinical testing. Allele origin: germline.
Comment: The p.T1414A variant (also known as c.4240A>G), located in coding exon 10 of the BRCA2 gene, results from an A to G substitution at nucleotide position 4240. The threonine at codon 1414 is replaced by alanine, an amino acid with similar properties. This amino acid position is conserved. In addition, this alteration is predicted to be tolerated by in silico analysis. Based on the available evidence, the clinical significance of this variant remains unclear.

All of Us Research Program, National Institutes of Health
Classification: Uncertain significance for Breast-ovarian cancer, familial, susceptibility to, 2. Last evaluated: 2023-10-06. Review status: criteria provided, single submitter. Criteria: ACMG Guidelines, 2015. Collection method: clinical testing. Allele origin: germline. Inheritance: Autosomal dominant inheritance. Observed: 1 variant allele, 1 heterozygote.
Comment: This missense variant replaces threonine with alanine at codon 1414 of the BRCA2 protein. Computational prediction suggests that this variant may not impact protein structure and function (internally defined REVEL score threshold <= 0.5, PMID: 27666373). To our knowledge, functional studies have not been reported for this variant. This variant has not been reported in individuals affected with BRCA2-related disorders in the literature, but this variant has been reported in an unaffected individual (PMID: 33471991; Leiden Open Variation Database DB-ID BRCA2_008179). This variant has not been identified in the general population by the Genome Aggregation Database (gnomAD). The available evidence is insufficient to determine the role of this variant in disease conclusively. Therefore, this variant is classified as a Variant of Uncertain Significance.

This study involves interpretation of variants in research participants for the purpose of population health screening. Participant phenotype was not available at the time of variant classification. Additional details can be found in publication PMID: 35346344, PMCID: PMC8962531

University of Washington Department of Laboratory Medicine, University of Washington
Classification: Likely benign for Hereditary cancer-predisposing syndrome. Last evaluated: 2023-03-23. Review status: criteria provided, single submitter. Criteria: Dines et al. (Genet Med. 2020). Collection method: curation. Allele origin: germline.
Comment: Missense variant in a coldspot region where missense variants are very unlikely to be pathogenic (PMID:31911673).

BRCA2 exon 11 coldspot. Reclassification based on statistical prior probability.

Genetic Services Laboratory, University of Chicago
Classification: Uncertain significance. Last evaluated: 2019-09-24. Review status: criteria provided, single submitter. Criteria: ACMG Guidelines, 2015. Collection method: clinical testing. Allele origin: germline. Affected: no.

Labcorp Genetics (formerly Invitae), Labcorp
Classification: Uncertain significance for Hereditary breast ovarian cancer syndrome. Last evaluated: 2015-12-25. Review status: criteria provided, single submitter. Criteria: Invitae Variant Classification Sherloc (09022015). Collection method: clinical testing. Allele origin: germline.
Comment: This sequence change replaces threonine with alanine at codon 1414 of the BRCA2 protein (p.Thr1414Ala). The threonine residue is weakly conserved and there is a small physicochemical difference between threonine and alanine. In summary, this is a novel missense change that is not predicted to affect protein function or cause disease. However the evidence is insufficient at this time to prove that conclusively. It has been classified as a Variant of Uncertain Significance. Algorithms developed to predict the effect of missense changes on protein structure and function (SIFT, PolyPhen-2, Align-GVGD) all suggest that this variant is likely to be tolerated, but these predictions have not been confirmed by published functional studies. This variant is not present in population databases (ExAC no frequency) and has not been reported in the literature in individuals with a BRCA2-related disease.

Counsyl
Classification: Uncertain significance for Breast-ovarian cancer, familial, susceptibility to, 2. Last evaluated: 2017-05-16. Review status: no assertion criteria provided. Collection method: clinical testing. Allele origin: unknown. Not counted in ClinVar's aggregate classification.

Literature cited by the submitters: PubMed 33471991 (cited by All of Us Research Program, National Institutes of Health).

NM_000059.4(BRCA2):c.4240A>G (p.Thr1414Ala)

Gene: BRCA2 (BRCA2 DNA repair associated; plus strand). Cytogenetic location: 13q13.1.
Variant type: single nucleotide variant.
Coding change: c.4240A>G on transcript NM_000059.4 (MANE Select); coding-DNA position 4240, A replaced by G.
Protein change: p.Thr1414Ala; replaces threonine 1414 with alanine.
Molecular consequence: missense variant.
Genome position (GRCh38, 1-based): chr13:32,338,595, A>G. VCF-style: chr13-32338595-A-G. GRCh37 (hg19) VCF-style: chr13-32912732-A-G.
Other names: short protein forms T1414A.
Identifiers: ClinVar variation 236865 (VCV000236865.16), dbSNP rs878853581, ClinGen allele CA10583102.